The following is an entry in ClinVar:

ClinVar aggregate classification (germline): Uncertain significance. Review status: criteria provided, multiple submitters, no conflicts (2 of 4 stars). 3 submissions from 3 submitters: Uncertain significance (3). Last evaluated 2025-12-01.

Submissions (3):

Labcorp Genetics (formerly Invitae), Labcorp
Classification: Uncertain significance. Last evaluated: 2025-12-01. Review status: criteria provided, single submitter. Criteria: Invitae Variant Classification Sherloc (09022015). Collection method: clinical testing. Allele origin: germline.
Comment: This sequence change creates a premature translational stop signal (p.Gln1448Argfs*11) in the ANKRD26 gene. It is expected to result in an absent or disrupted protein product. However, the current clinical and genetic evidence is not sufficient to establish whether loss-of-function variants in ANKRD26 cause disease. This variant is not present in population databases (gnomAD no frequency). This variant has not been reported in the literature in individuals affected with ANKRD26-related conditions. ClinVar contains an entry for this variant (Variation ID: 1338659). In summary, the available evidence is currently insufficient to determine the role of this variant in disease. Therefore, it has been classified as a Variant of Uncertain Significance.

GeneDx
Classification: Uncertain significance. Last evaluated: 2024-06-05. Review status: criteria provided, single submitter. Criteria: GeneDx Variant Classification Process June 2021. Collection method: clinical testing. Allele origin: germline. Affected: yes.
Comment: Frameshift variant predicted to result in protein truncation or nonsense mediated decay in a gene for which loss-of-function is not a known mechanism of disease; Has not been previously published as pathogenic or benign to our knowledge; Not observed at significant frequency in large population cohorts (gnomAD)

Genetic Services Laboratory, University of Chicago
Classification: Uncertain significance. Last evaluated: 2021-09-21. Review status: criteria provided, single submitter. Criteria: ACMG Guidelines, 2015. Collection method: clinical testing. Allele origin: germline. Affected: no.
Comment: DNA sequence analysis of the ANKRD26 gene demonstrated a single base pair deletion in exon 30, c.4342del. This sequence change results in an amino acid frameshift and creates a premature stop codon 11 amino acids downstream of the change, p.Gln1448Argfs*11. This sequence change is predicted to result in an abnormal transcript, which may be degraded, or may lead to the production of a truncated ANKRD26 protein with potentially abnormal function. This sequence change does not appear to have been previously described in individuals with ANKRD26-related disorders and it has not been described in population databases including ExAC and gnomAD. The functional significance of this sequence change is not known at present and its contribution to this individual's disease phenotype cannot definitively be determined.

NM_014915.3(ANKRD26):c.4342del (p.Gln1448fs)

Gene: ANKRD26 (ankyrin repeat domain 26; minus strand). Cytogenetic location: 10p12.1.
Variant type: Deletion.
Coding change: c.4342del on transcript NM_014915.3 (MANE Select); coding-DNA position 4342, one base deleted (C; older notation c.4342delC).
Protein change: p.Gln1448fs; shifts the reading frame from glutamine 1448.
Molecular consequence: frameshift variant.
Genome position (GRCh38, 1-based): chr10:27,017,666, G deleted on the plus strand (C on the coding strand, the reverse complement: ANKRD26 is on the minus strand). VCF-style (leftmost placement, unchanged base first): chr10-27017665-TG-T. GRCh37 (hg19) VCF-style: chr10-27306594-TG-T.
Other names: c.4339del, p.Gln1447fs (NM_001256053.2); short protein forms Q1447fs, Q1448fs.
Identifiers: ClinVar variation 1338659 (VCV001338659.6), dbSNP rs2134972435, ClinGen allele CA2573053264.